The following is an entry in ClinVar:

ClinVar aggregate classification (germline): Pathogenic (1 of 4 stars; one submission).

Conditions:
Autosomal recessive limb-girdle muscular dystrophy type 2O. Also called: MUSCULAR DYSTROPHY-DYSTROGLYCANOPATHY (LIMB-GIRDLE), TYPE C, 3; Limb-Girdle Muscular Dystrophy Type 3C; MUSCULAR DYSTROPHY-DYSTROGLYCANOPATHY, LIMB-GIRDLE, POMGNT1-RELATED. Identifiers: Orphanet 206564, MedGen C3150417, MONDO:0013161, OMIM 613157.
Muscular dystrophy-dystroglycanopathy (congenital with impaired intellectual development), type B, 3. Also called: Muscular dystrophy-dystroglycanopathy (congenital with intellectual disability), type B3; MUSCULAR DYSTROPHY, CONGENITAL, POMGNT1-RELATED. Identifiers: MedGen C3150412, MONDO:0013155, OMIM 613151.

Allele frequency attached by ClinVar (database versions not stated): gnomAD exomes below 0.00001.
gnomAD v4.1: 1 of 1,614,140 alleles (0.000062%); highest among the groups gnomAD compares: African/African-American, 0.0013%; no homozygotes.

Submission:

Labcorp Genetics (formerly Invitae), Labcorp
Classification: Pathogenic for Autosomal recessive limb-girdle muscular dystrophy type 2O; Muscular dystrophy-dystroglycanopathy (congenital with impaired intellectual development), type B, 3. Last evaluated: 2025-01-07. Review status: criteria provided, single submitter. Criteria: Invitae Variant Classification Sherloc (09022015). Collection method: clinical testing. Allele origin: germline.
Comment: This sequence change creates a premature translational stop signal (p.Gln199*) in the POMGNT1 gene. It is expected to result in an absent or disrupted protein product. Loss-of-function variants in POMGNT1 are known to be pathogenic (PMID: 19299310, 20816175, 21447391, 26908613, 27391550). This variant is not present in population databases (gnomAD no frequency). This variant has not been reported in the literature in individuals affected with POMGNT1-related conditions. ClinVar contains an entry for this variant (Variation ID: 1072341). Algorithms developed to predict the effect of sequence changes on RNA splicing suggest that this variant may disrupt the consensus splice site. For these reasons, this variant has been classified as Pathogenic.

Literature cited by the submitters: PubMed 19299310; PubMed 20816175; PubMed 21447391; PubMed 26908613; PubMed 27391550.

NM_017739.4(POMGNT1):c.595C>T (p.Gln199Ter)

Genes: POMGNT1 (protein O-linked mannose N-acetylglucosaminyltransferase 1 (beta 1,2-); minus strand), TSPAN1 (tetraspanin 1; plus strand). Cytogenetic location: 1p34.1.
Variant type: single nucleotide variant.
Coding change: c.595C>T on transcript NM_017739.4 (MANE Select); coding-DNA position 595, C replaced by T.
Protein change: p.Gln199Ter; replaces glutamine 199 with a stop codon.
Molecular consequence: nonsense.
Genome position (GRCh38, 1-based): chr1:46,194,901, G>A on the plus strand (C>T on the coding strand, the complement: POMGNT1 is on the minus strand). VCF-style: chr1-46194901-G-A. GRCh37 (hg19) VCF-style: chr1-46660573-G-A.
Other names: c.595C>T, p.Gln199Ter (NM_001243766.2, NM_001410783.1); c.529C>T, p.Gln177Ter (NM_001290129.3); c.166C>T, p.Gln56Ter (NM_001290130.2); short protein forms Q177*, Q199*, Q56*.
Identifiers: ClinVar variation 1072341 (VCV001072341.7), dbSNP rs908815575, ClinGen allele CA340186900.
Genomic context (GRCh38, chr1:46,194,901, plus strand): 5'-CACCTCCTTTTCGTCCCACGAAGGCCCATGTGTCCCTCCAGCCCAGGGCAGGGCCAGCCT[G>A]GCTGCCCAGGCTCCTCAGCAGAGCCTTGGCTGTGTCCTTGAGGTGGAAGGAGCCCTCATC-3'